The following is an entry in ClinVar:

ClinVar aggregate classification (germline): Uncertain significance (1 of 4 stars; one submission).

Submission:

Labcorp Genetics (formerly Invitae), Labcorp
Classification: Uncertain significance. Last evaluated: 2021-04-18. Review status: criteria provided, single submitter. Criteria: Invitae Variant Classification Sherloc (09022015). Collection method: clinical testing. Allele origin: germline.
Comment: This sequence change replaces methionine with isoleucine at codon 2212 of the POLE protein (p.Met2212Ile). The methionine residue is moderately conserved and there is a small physicochemical difference between methionine and isoleucine. This variant is not present in population databases (ExAC no frequency). In summary, the available evidence is currently insufficient to determine the role of this variant in disease. Therefore, it has been classified as a Variant of Uncertain Significance. Algorithms developed to predict the effect of missense changes on protein structure and function (SIFT, PolyPhen-2, Align-GVGD) all suggest that this variant is likely to be tolerated, but these predictions have not been confirmed by published functional studies and their clinical significance is uncertain. This variant has not been reported in the literature in individuals with POLE-related conditions.

NM_006231.4(POLE):c.6636G>A (p.Met2212Ile)

Gene: POLE (DNA polymerase epsilon, catalytic subunit; minus strand). Cytogenetic location: 12q24.33.
Variant type: single nucleotide variant.
Coding change: c.6636G>A on transcript NM_006231.4 (MANE Select); coding-DNA position 6636, G replaced by A.
Protein change: p.Met2212Ile; replaces methionine 2212 with isoleucine.
Molecular consequence: missense variant.
Genome position (GRCh38, 1-based): chr12:132,625,666, C>T on the plus strand (G>A on the coding strand, the complement: POLE is on the minus strand). VCF-style: chr12-132625666-C-T. GRCh37 (hg19) VCF-style: chr12-133202252-C-T.
Other names: short protein forms M2212I.
Identifiers: ClinVar variation 1460730 (VCV001460730.8), dbSNP rs2138427444, ClinGen allele CA387366479.